The following is an entry in ClinVar:

ClinVar aggregate classification (germline): Uncertain significance (1 of 4 stars; one submission).

Conditions:
Short-rib thoracic dysplasia 14 with polydactyly (SRTD14). Identifiers: Orphanet 397715, MedGen C4225286, MONDO:0014688, OMIM 616546.
Joubert syndrome 23 (JBTS23). Identifiers: Orphanet 475, MedGen C4084822, MONDO:0014664, OMIM 616490.

Submission:

Labcorp Genetics (formerly Invitae), Labcorp
Classification: Uncertain significance for Joubert syndrome 23; Short-rib thoracic dysplasia 14 with polydactyly. Last evaluated: 2022-08-13. Review status: criteria provided, single submitter. Criteria: Invitae Variant Classification Sherloc (09022015). Collection method: clinical testing. Allele origin: germline.
Comment: In summary, the available evidence is currently insufficient to determine the role of this variant in disease. Therefore, it has been classified as a Variant of Uncertain Significance. Algorithms developed to predict the effect of missense changes on protein structure and function (SIFT, PolyPhen-2, Align-GVGD) all suggest that this variant is likely to be tolerated. This variant has not been reported in the literature in individuals affected with KIAA0586-related conditions. This variant is not present in population databases (gnomAD no frequency). This sequence change replaces histidine, which is basic and polar, with arginine, which is basic and polar, at codon 41 of the KIAA0586 protein (p.His41Arg).

NM_001329943.3(KIAA0586):c.86A>G (p.His29Arg)

Gene: KIAA0586 (KIAA0586; plus strand). Cytogenetic location: 14q23.1.
Variant type: single nucleotide variant.
Coding change: c.86A>G on transcript NM_001329943.3 (MANE Select); coding-DNA position 86, A replaced by G.
Protein change: p.His29Arg; replaces histidine 29 with arginine.
Molecular consequence: missense variant. On other transcripts: intron variant (5).
Genome position (GRCh38, 1-based): chr14:58,428,350, A>G. VCF-style: chr14-58428350-A-G. GRCh37 (hg19) VCF-style: chr14-58895068-A-G.
Other names: c.122A>G, p.His41Arg (NM_001244189.2); c.41A>G, p.His14Arg (NM_001244190.2); c.86A>G, p.His29Arg (NM_001329944.2, NM_001329946.2, NM_001329947.2 and 1 more transcripts); c.-57+713A>G (NM_001244192.2, NM_001244191.2); c.-57+537A>G (NM_001364701.2, NM_001329945.2, NM_001364700.1); short protein forms H14R, H29R, H41R.
Identifiers: ClinVar variation 2152205 (VCV002152205.2), dbSNP rs2037030062, ClinGen allele CA389859100.